The following is an entry in ClinVar:

NM_000059.4(BRCA2):c.432_444del (p.Val145fs)

Gene: BRCA2 (BRCA2 DNA repair associated; plus strand). Cytogenetic location: 13q13.1.
Variant type: Deletion.
Coding change: c.432_444del on transcript NM_000059.4 (MANE Select); coding-DNA positions 432 to 444, 13 bases deleted (TGTTCTACAATGT).
Protein change: p.Val145fs; shifts the reading frame from valine 145.
Molecular consequence: frameshift variant. On other transcripts: non-coding transcript variant (1).
Genome position (GRCh38, 1-based): chr13:32,326,107-32,326,119, TGTTCTACAATGT deleted; deleting any 13 consecutive bases within chr13:32,326,104-32,326,119 gives the same sequence; the c. name uses the placement nearest the transcript's 3' end. VCF-style (leftmost placement, unchanged base first): chr13-32326103-CTGTTGTTCTACAA-C. GRCh37 (hg19) VCF-style: chr13-32900240-CTGTTGTTCTACAA-C.
Other names: c.432_444del, p.Val145fs (NM_001406719.1, NM_001406720.1, NM_001406721.1 and 1 more transcripts); c.63_75del, p.Val22fs (NM_001406722.1); short protein forms V145fs, V22fs.
Identifiers: ClinVar variation 3729611 (VCV003729611.2).
Genomic context (GRCh38, chr13:32,326,103, plus strand): 5'-AACTAGTTTTTGCCAGTTTTTTAAAATAACCTAAGGGATTTGCTTTGTTTTATTTTAGTC[CTGTTGTTCTACAA>C]TGTACACATGTAACACCACAAAGAGATAAGTCAGGTATGATTAAAAACAATGCTTTTTAT-3'

ClinVar aggregate classification (germline): Pathogenic (1 of 4 stars; one submission).

Conditions:
Hereditary breast ovarian cancer syndrome. Also called: Hereditary breast and ovarian cancer syndrome (HBOC); Hereditary breast and/or ovarian cancer syndrome; Hereditary breast and ovarian cancer syndrome; BRCA1- and BRCA2-Associated Hereditary Breast and Ovarian Cancer; Hereditary breast and ovarian cancer; Breast and ovarian cancer. Identifiers: Orphanet 145, MedGen C0677776, MeSH D061325, MONDO:0003582. Disease mechanism: loss of function.

Submission:

Labcorp Genetics (formerly Invitae), Labcorp
Classification: Pathogenic for Hereditary breast ovarian cancer syndrome. Last evaluated: 2025-01-26. Review status: criteria provided, single submitter. Criteria: Invitae Variant Classification Sherloc (09022015). Collection method: clinical testing. Allele origin: germline.
Comment: This sequence change creates a premature translational stop signal (p.Val145Hisfs*3) in the BRCA2 gene. It is expected to result in an absent or disrupted protein product. Loss-of-function variants in BRCA2 are known to be pathogenic (PMID: 20104584). This variant is not present in population databases (gnomAD no frequency). This variant has not been reported in the literature in individuals affected with BRCA2-related conditions. Algorithms developed to predict the effect of sequence changes on RNA splicing suggest that this variant may disrupt the consensus splice site. For these reasons, this variant has been classified as Pathogenic.

Literature cited by the submitters: PubMed 20104584.